The following is an entry in ClinVar:

ClinVar aggregate classification (germline): Uncertain significance (1 of 4 stars; one submission).

Conditions:
Hereditary cancer-predisposing syndrome. Also called: Hereditary neoplastic syndrome; Neoplastic Syndromes, Hereditary; Tumor predisposition; Hereditary Cancer Syndrome. Identifiers: Orphanet 140162, MedGen C0027672, MeSH D009386, MONDO:0015356.

gnomAD v4.1: 4 of 1,614,094 alleles (0.00025%); highest among the groups gnomAD compares: Non-Finnish European, 0.00034%; no homozygotes.

Submission:

Ambry Genetics
Classification: Uncertain significance for Hereditary cancer-predisposing syndrome. Last evaluated: 2025-01-31. Review status: criteria provided, single submitter. Criteria: Ambry Variant Classification Scheme 2023. Collection method: clinical testing. Allele origin: germline.
Comment: The p.E510K variant (also known as c.1528G>A), located in coding exon 10 of the FLCN gene, results from a G to A substitution at nucleotide position 1528. The glutamic acid at codon 510 is replaced by lysine, an amino acid with similar properties. This amino acid position is highly conserved in available vertebrate species. In addition, this alteration is predicted to be deleterious by in silico analysis. Based on the available evidence, the clinical significance of this variant remains unclear.

NM_144997.7(FLCN):c.1528G>A (p.Glu510Lys)

Gene: FLCN (folliculin; minus strand). Cytogenetic location: 17p11.2.
Variant type: single nucleotide variant.
Coding change: c.1528G>A on transcript NM_144997.7 (MANE Select); coding-DNA position 1528, G replaced by A.
Protein change: p.Glu510Lys; replaces glutamic acid 510 with lysine.
Molecular consequence: missense variant.
Genome position (GRCh38, 1-based): chr17:17,214,995, C>T on the plus strand (G>A on the coding strand, the complement: FLCN is on the minus strand). VCF-style: chr17-17214995-C-T. GRCh37 (hg19) VCF-style: chr17-17118309-C-T.
Other names: c.1582G>A, p.Glu528Lys (NM_001353229.2); c.1528G>A, p.Glu510Lys (NM_001353230.2, NM_001353231.2); short protein forms E510K, E528K.
Identifiers: ClinVar variation 3850558 (VCV003850558.1).